The following is an entry in ClinVar:

NM_006015.6(ARID1A):c.6856T>C (p.Ter2286Arg)

Gene: ARID1A (AT-rich interaction domain 1A; plus strand). Cytogenetic location: 1p36.11.
Variant type: single nucleotide variant.
Coding change: c.6856T>C on transcript NM_006015.6 (MANE Select); coding-DNA position 6856, T replaced by C.
Protein change: p.Ter2286Arg.
Molecular consequence: stop lost.
Genome position (GRCh38, 1-based): chr1:26,780,754, T>C. VCF-style: chr1-26780754-T-C. GRCh37 (hg19) VCF-style: chr1-27107245-T-C.
Other names: c.6205T>C, p.Ter2069Arg (NM_139135.4).
Identifiers: ClinVar variation 2729015 (VCV002729015.3), dbSNP rs2124153749, ClinGen allele CA339194215.
Genomic context (GRCh38, chr1:26,780,754, plus strand): 5'-TTGATGAACTCATTGGTTTCACAAGTCATTTGTGATGTACTGTTTTTGATTGGCCAGTCA[T>C]GACAGCCGTGGGACACCTCCCCCCCCCGTGTGTGTGTGCGTGTGTGGAGAACTTAGAAAC-3'

ClinVar aggregate classification (germline): Uncertain significance (1 of 4 stars; one submission).

Submission:

Labcorp Genetics (formerly Invitae), Labcorp
Classification: Uncertain significance. Last evaluated: 2023-07-10. Review status: criteria provided, single submitter. Criteria: Invitae Variant Classification Sherloc (09022015). Collection method: clinical testing. Allele origin: germline.
Comment: In summary, the available evidence is currently insufficient to determine the role of this variant in disease. Therefore, it has been classified as a Variant of Uncertain Significance. This variant has not been reported in the literature in individuals affected with ARID1A-related conditions. This variant is not present in population databases (gnomAD no frequency). This sequence change disrupts the translational stop signal of the ARID1A mRNA. It is expected to extend the length of the ARID1A protein by 18 additional amino acid residues.